The following is an entry in ClinVar:

ClinVar aggregate classification (germline): Pathogenic (1 of 4 stars; one submission).

Conditions:
Duchenne muscular dystrophy (DMD). Also called: MUSCULAR DYSTROPHY, PSEUDOHYPERTROPHIC PROGRESSIVE, DUCHENNE TYPE; Duchenne Muscular Dystrophy (DMD). Identifiers: Orphanet 98896, MedGen C0013264, MONDO:0010679, OMIM 310200.

Submissions (2):

Labcorp Genetics (formerly Invitae), Labcorp
Classification: Pathogenic for Duchenne muscular dystrophy. Last evaluated: 2024-05-01. Review status: criteria provided, single submitter. Criteria: Invitae Variant Classification Sherloc (09022015). Collection method: clinical testing. Allele origin: germline.
Comment: This sequence change creates a premature translational stop signal (p.Tyr385*) in the DMD gene. It is expected to result in an absent or disrupted protein product. Loss-of-function variants in DMD are known to be pathogenic (PMID: 16770791, 25007885). This variant is not present in population databases (gnomAD no frequency). This variant has not been reported in the literature in individuals affected with DMD-related conditions. For these reasons, this variant has been classified as Pathogenic.

Dr. Peter K. Rogan Lab, Western University
No classification provided (evidence only). Condition: Thyroid cancer, nonmedullary, 1. Review status: no classification provided. Collection method: in vitro. Allele origin: not applicable. Functional consequence: retained intron. Not counted in ClinVar's aggregate classification.

Literature cited by the submitters: PubMed 16770791 (cited by Labcorp Genetics (formerly Invitae), Labcorp); PubMed 25007885 (cited by Labcorp Genetics (formerly Invitae), Labcorp).

NM_004006.3(DMD):c.1155C>G (p.Tyr385Ter)

Gene: DMD (dystrophin; minus strand). Cytogenetic location: Xp21.1.
Variant type: single nucleotide variant.
Coding change: c.1155C>G on transcript NM_004006.3 (MANE Select); coding-DNA position 1155, C replaced by G.
Protein change: p.Tyr385Ter; replaces tyrosine 385 with a stop codon.
Molecular consequence: nonsense.
Genome position (GRCh38, 1-based): chrX:32,644,308, G>C on the plus strand (C>G on the coding strand, the complement: DMD is on the minus strand). VCF-style: chrX-32644308-G-C. GRCh37 (hg19) VCF-style: chrX-32662425-G-C.
Other names: c.1131C>G, p.Tyr377Ter (NM_000109.4); c.1143C>G, p.Tyr381Ter (NM_004009.3); c.786C>G, p.Tyr262Ter (NM_004010.3); short protein forms Y377*, Y381*, Y385*, Y262*.
Identifiers: ClinVar variation 3651879 (VCV003651879.3).